The following is an entry in ClinVar:

NM_007294.4(BRCA1):c.3009T>G (p.Phe1003Leu)

Gene: BRCA1 (BRCA1 DNA repair associated; minus strand). Cytogenetic location: 17q21.31.
Variant type: single nucleotide variant.
Coding change: c.3009T>G on transcript NM_007294.4 (MANE Select); coding-DNA position 3009, T replaced by G.
Protein change: p.Phe1003Leu; replaces phenylalanine 1003 with leucine.
Molecular consequence: missense variant. On other transcripts: intron variant (137).
Genome position (GRCh38, 1-based): chr17:43,092,522, A>C on the plus strand (T>G on the coding strand, the complement: BRCA1 is on the minus strand). VCF-style: chr17-43092522-A-C. GRCh37 (hg19) VCF-style: chr17-41244539-A-C.
Other names: c.2883T>G, p.Phe961Leu (NM_001407689.1, NM_001407690.1, NM_001407691.1 and 11 more transcripts); c.2868T>G, p.Phe956Leu (NM_001407696.1, NM_001407692.1, NM_001407697.1 and 29 more transcripts); c.452-1490T>G (NM_001408508.1, NM_001408509.1); c.575-1490T>G (NM_001408491.1, NM_001408493.1, NM_001408490.1); c.461-1490T>G (NM_001408506.1, NM_001408507.1); c.578-1490T>G (NM_001408481.1, NM_001408480.1, NM_001408492.1 and 9 more transcripts); c.779-1490T>G (NM_001408408.1); c.662-1490T>G (NM_001408446.1, NM_001408435.1, NM_001408448.1 and 6 more transcripts); and 41 more; short protein forms F1000L, F1003L, F891L, F914L, F933L, F956L, F1002L, F707L.
Identifiers: ClinVar variation 2811089 (VCV002811089.3), dbSNP rs786201587, ClinGen allele CA10595977.

ClinVar aggregate classification (germline): Uncertain significance (1 of 4 stars; one submission).

Conditions:
Hereditary breast ovarian cancer syndrome. Also called: Hereditary breast and ovarian cancer; Hereditary breast and ovarian cancer syndrome; Breast and ovarian cancer; BRCA1- and BRCA2-Associated Hereditary Breast and Ovarian Cancer; Hereditary breast and ovarian cancer syndrome (HBOC); Hereditary breast and/or ovarian cancer syndrome. Identifiers: Orphanet 145, MedGen C0677776, MeSH D061325, MONDO:0003582. Disease mechanism: loss of function.

Submission:

Labcorp Genetics (formerly Invitae), Labcorp
Classification: Uncertain significance for Hereditary breast ovarian cancer syndrome. Last evaluated: 2022-10-31. Review status: criteria provided, single submitter. Criteria: Invitae Variant Classification Sherloc (09022015). Collection method: clinical testing. Allele origin: germline.
Comment: Advanced modeling of protein sequence and biophysical properties (such as structural, functional, and spatial information, amino acid conservation, physicochemical variation, residue mobility, and thermodynamic stability) performed at Invitae indicates that this missense variant is not expected to disrupt BRCA1 protein function. In summary, the available evidence is currently insufficient to determine the role of this variant in disease. Therefore, it has been classified as a Variant of Uncertain Significance. This variant has not been reported in the literature in individuals affected with BRCA1-related conditions. This variant is not present in population databases (gnomAD no frequency). This sequence change replaces phenylalanine, which is neutral and non-polar, with leucine, which is neutral and non-polar, at codon 1003 of the BRCA1 protein (p.Phe1003Leu).